The following is an entry in ClinVar:

ClinVar aggregate classification (germline): Benign. Review status: criteria provided, multiple submitters, no conflicts (2 of 4 stars). 2 submissions from 2 submitters: Benign (2). Last evaluated 2025-12-01.

Conditions:
Hypophosphatemic nephrolithiasis/osteoporosis 1. Identifiers: Orphanet 244305, MedGen C2676786, MONDO:0012850, OMIM 612286.

Allele frequency attached by ClinVar (database versions not stated): gnomAD exomes 0.00012 and 0.00033; ExAC 0.00036; gnomAD 0.00109 and 0.00115; ESP Exome Variant Server 0.00115; TOPMed 0.00129; 1000 Genomes Project 30x 0.00203; 1000 Genomes Project 0.00220.
gnomAD v4.1: 353 of 1,614,154 alleles (0.022%); highest among the groups gnomAD compares: African/African-American, 0.4%; 1 homozygote.

Submissions (2):

Labcorp Genetics (formerly Invitae), Labcorp
Classification: Benign. Last evaluated: 2025-12-01. Review status: criteria provided, single submitter. Criteria: Invitae Variant Classification Sherloc (09022015). Collection method: clinical testing. Allele origin: germline.

Illumina Laboratory Services, Illumina
Classification: Benign for Hypophosphatemic nephrolithiasis/osteoporosis 1. Last evaluated: 2018-01-13. Review status: criteria provided, single submitter. Criteria: ICSL Variant Classification Criteria 13 December 2019. Collection method: clinical testing. Allele origin: germline.
Comment: This variant was observed in the ICSL laboratory as part of a predisposition screen in an ostensibly healthy population. It had not been previously curated by ICSL or reported in the Human Gene Mutation Database (HGMD: prior to June 1st, 2018), and was therefore a candidate for classification through an automated scoring system. Utilizing variant allele frequency, disease prevalence and penetrance estimates, and inheritance mode, an automated score was calculated to assess if this variant is too frequent to cause the disease. Based on the score and internal cut-off values, a variant classified as benign is not then subjected to further curation. The score for this variant resulted in a classification of benign for this disease.

NM_003052.5(SLC34A1):c.260-14C>T

Gene: SLC34A1 (solute carrier family 34 member 1; plus strand). Cytogenetic location: 5q35.3.
Variant type: single nucleotide variant.
Coding change: c.260-14C>T on transcript NM_003052.5 (MANE Select); 14 bases into the intron before coding-DNA position 260, C replaced by T.
Molecular consequence: intron variant.
Genome position (GRCh38, 1-based): chr5:177,386,207, C>T. VCF-style: chr5-177386207-C-T. GRCh37 (hg19) VCF-style: chr5-176813208-C-T.
Other names: c.260-14C>T (NM_001167579.2).
Identifiers: ClinVar variation 352957 (VCV000352957.9), dbSNP rs78851308, ClinGen allele CA3580320.
Genomic context (GRCh38, chr5:177,386,207, plus strand): 5'-GCTGGGGGTGGCAGAGGCGGCAGCAGTCCCTGCCCTGGCCTCTGCCCACTATGCTCATGG[C>T]TTCCCCCATCCAGAGTCCAGGCTGGTCCCCAAGCTGCGCCAGGCTGGCGCCATGCTGCTC-3'